The following is an entry in ClinVar:

NM_001130987.2(DYSF):c.2482C>T (p.Pro828Ser)

Gene: DYSF (dysferlin; plus strand). Cytogenetic location: 2p13.2.
Variant type: single nucleotide variant.
Coding change: c.2482C>T on transcript NM_001130987.2 (MANE Select); coding-DNA position 2482, C replaced by T.
Protein change: p.Pro828Ser; replaces proline 828 with serine.
Molecular consequence: missense variant.
Genome position (GRCh38, 1-based): chr2:71,564,130, C>T. VCF-style: chr2-71564130-C-T. GRCh37 (hg19) VCF-style: chr2-71791260-C-T.
Other names: c.2431C>T, p.Pro811Ser (NM_001130455.2, NM_001130983.2); c.2386C>T, p.Pro796Ser (NM_001130976.2, NM_001130977.2); c.2428C>T, p.Pro810Ser (NM_001130978.2, NM_003494.4); c.2521C>T, p.Pro841Ser (NM_001130979.2); c.2479C>T, p.Pro827Ser (NM_001130980.2, NM_001130981.2); c.2524C>T, p.Pro842Ser (NM_001130982.2); c.2389C>T, p.Pro797Ser (NM_001130984.2, NM_001130986.2); c.2482C>T, p.Pro828Ser (NM_001130985.2); short protein forms P810S, P828S, P811S, P842S, P841S, P796S, P797S, P827S.
Identifiers: ClinVar variation 501554 (VCV000501554.13), dbSNP rs146819460, ClinGen allele CA1706184.

ClinVar aggregate classification (germline): Uncertain significance. Review status: criteria provided, multiple submitters, no conflicts (2 of 4 stars). 5 submissions from 5 submitters: Uncertain significance (4). 1 of the submissions does not count toward it. Last evaluated 2024-12-15.

Conditions:
Inborn genetic diseases. Identifiers: MedGen C0950123, MeSH D030342.
Neuromuscular disease caused by qualitative or quantitative defects of dysferlin. Also called: Dysferlinopathy; Qualitative or quantitative defects of dysferlin. Identifiers: Orphanet 207073, MedGen C2931687, MONDO:0016145.
Autosomal recessive limb-girdle muscular dystrophy type 2B (LGMDR2). Also called: MUSCULAR DYSTROPHY, LIMB-GIRDLE, AUTOSOMAL RECESSIVE 2; MUSCULAR DYSTROPHY, LIMB-GIRDLE, TYPE 3; Limb-girdle muscular dystrophy, type 2B; Limb-Girdle Muscular Dystrophy Type 2B (LGMD2B). Identifiers: Orphanet 268, MedGen C1850889, MONDO:0009676, OMIM 253601.

Allele frequency attached by ClinVar (database versions not stated): gnomAD 0.00003; TOPMed 0.00008.
gnomAD v4.1: 106 of 1,614,128 alleles (0.0066%); highest among the groups gnomAD compares: Non-Finnish European, 0.0086%; no homozygotes.

Submissions (5):

Labcorp Genetics (formerly Invitae), Labcorp
Classification: Uncertain significance for Neuromuscular disease caused by qualitative or quantitative defects of dysferlin. Last evaluated: 2024-12-15. Review status: criteria provided, single submitter. Criteria: Invitae Variant Classification Sherloc (09022015). Collection method: clinical testing. Allele origin: germline.
Comment: This sequence change replaces proline, which is neutral and non-polar, with serine, which is neutral and polar, at codon 810 of the DYSF protein (p.Pro810Ser). This variant is present in population databases (rs146819460, gnomAD 0.004%). This variant has not been reported in the literature in individuals affected with DYSF-related conditions. ClinVar contains an entry for this variant (Variation ID: 501554). Invitae Evidence Modeling of protein sequence and biophysical properties (such as structural, functional, and spatial information, amino acid conservation, physicochemical variation, residue mobility, and thermodynamic stability) has been performed for this missense variant. However, the output from this modeling did not meet the statistical confidence thresholds required to predict the impact of this variant on DYSF protein function. In summary, the available evidence is currently insufficient to determine the role of this variant in disease. Therefore, it has been classified as a Variant of Uncertain Significance.

Ambry Genetics
Classification: Uncertain significance for Inborn genetic diseases. Last evaluated: 2023-04-05. Review status: criteria provided, single submitter. Criteria: Ambry Variant Classification Scheme 2023. Collection method: clinical testing. Allele origin: germline.

Revvity Omics, Revvity
Classification: Uncertain significance. Last evaluated: 2019-03-08. Review status: criteria provided, single submitter. Criteria: ACMG Guidelines, 2015. Collection method: clinical testing. Allele origin: germline.

Eurofins Ntd Llc (ga)
Classification: Uncertain significance. Last evaluated: 2017-04-25. Review status: criteria provided, single submitter. Criteria: EGL Classification Definitions 2015. Collection method: clinical testing. Allele origin: germline. Observed: 1 variant allele, 1 heterozygote.

Natera, Inc.
Classification: Uncertain significance for Limb-girdle muscular dystrophy type 2B. Last evaluated: 2019-10-28. Review status: no assertion criteria provided. Collection method: clinical testing. Allele origin: germline. Not counted in ClinVar's aggregate classification.